The following is an entry in ClinVar:

ClinVar aggregate classification (germline): Uncertain significance. Review status: criteria provided, single submitter (1 of 4 stars). 2 submissions from 2 submitters: Uncertain significance (1). 1 of the submissions does not count toward it. Last evaluated 2022-07-09.

Conditions:
Usher syndrome type 1F (USH1F). Also called: USHER SYNDROME, TYPE IF. Identifiers: Orphanet 231169, Orphanet 886, MedGen C1865885, MONDO:0011186, OMIM 602083.

Allele frequency attached by ClinVar (database versions not stated): ExAC 0.00001; gnomAD 0.00002 and 0.00003; gnomAD exomes 0.00002 and 0.00005; TOPMed 0.00003; ESP Exome Variant Server 0.00008.
gnomAD v4.1: 67 of 1,570,752 alleles (0.0043%); highest among the groups gnomAD compares: Non-Finnish European, 0.0054%; no homozygotes.

Submissions (2):

Labcorp Genetics (formerly Invitae), Labcorp
Classification: Uncertain significance. Last evaluated: 2022-07-09. Review status: criteria provided, single submitter. Criteria: Invitae Variant Classification Sherloc (09022015). Collection method: clinical testing. Allele origin: germline.
Comment: This sequence change replaces asparagine, which is neutral and polar, with serine, which is neutral and polar, at codon 201 of the PCDH15 protein (p.Asn201Ser). This variant is present in population databases (rs374283912, gnomAD 0.006%). This variant has not been reported in the literature in individuals affected with PCDH15-related conditions. ClinVar contains an entry for this variant (Variation ID: 850724). Algorithms developed to predict the effect of missense changes on protein structure and function are either unavailable or do not agree on the potential impact of this missense change (SIFT: "Tolerated"; PolyPhen-2: "Probably Damaging"; Align-GVGD: "Class C0"). In summary, the available evidence is currently insufficient to determine the role of this variant in disease. Therefore, it has been classified as a Variant of Uncertain Significance.

Natera, Inc.
Classification: Uncertain significance for Usher syndrome type 1F. Last evaluated: 2020-04-06. Review status: no assertion criteria provided. Collection method: clinical testing. Allele origin: germline. Not counted in ClinVar's aggregate classification.

NM_001384140.1(PCDH15):c.602A>G (p.Asn201Ser)

Gene: PCDH15 (protocadherin related 15; minus strand). Cytogenetic location: 10q21.1.
Variant type: single nucleotide variant.
Coding change: c.602A>G on transcript NM_001384140.1 (MANE Select); coding-DNA position 602, A replaced by G.
Protein change: p.Asn201Ser; replaces asparagine 201 with serine.
Molecular consequence: missense variant. On other transcripts: intron variant (1).
Genome position (GRCh38, 1-based): chr10:54,329,699, T>C on the plus strand (A>G on the coding strand, the complement: PCDH15 is on the minus strand). VCF-style: chr10-54329699-T-C. GRCh37 (hg19) VCF-style: chr10-56089459-T-C.
Other names: c.536A>G, p.Asn179Ser (NM_001142773.2, NM_001354404.2, NM_001142768.2); c.602A>G, p.Asn201Ser (NM_001354411.2, NM_001354420.2, NM_001354429.2 and 7 more transcripts); c.595-12258A>G (NM_001142767.2); c.617A>G, p.Asn206Ser (NM_001142763.2, NM_001142769.4, NM_001142771.2); short protein forms N179S, N201S, N206S.
Identifiers: ClinVar variation 850724 (VCV000850724.7), dbSNP rs374283912, ClinGen allele CA5506641.